The following is an entry in ClinVar:

NM_139058.3(ARX):c.336_341del (p.Ala114_Ala115del)

Genes: ARX (aristaless related homeobox; minus strand), LOC109610631 (aristaless related homeobox polyalanine expansion region; plus strand). Cytogenetic location: Xp21.3.
Variant type: Deletion.
Coding change: c.336_341del on transcript NM_139058.3 (MANE Select); coding-DNA positions 336 to 341, 6 bases deleted (AGCGGC; older notation c.336_341delAGCGGC).
Protein change: p.Ala114_Ala115del.
Molecular consequence: inframe deletion.
Genome position (GRCh38, 1-based): chrX:25,013,654-25,013,659, GCCGCT deleted on the plus strand (AGCGGC on the coding strand, the reverse complement: ARX is on the minus strand); deleting any 6 consecutive bases within chrX:25,013,654-25,013,664 gives the same sequence; the c. name uses the placement nearest the transcript's 3' end. VCF-style (leftmost placement, unchanged base first): chrX-25013653-GGCCGCT-G. GRCh37 (hg19) VCF-style: chrX-25031770-GGCCGCT-G.
Identifiers: ClinVar variation 2930060 (VCV002930060.3), dbSNP rs1173274153, ClinGen allele CA874147897.

ClinVar aggregate classification (germline): Uncertain significance (1 of 4 stars; one submission).

Conditions:
Developmental and epileptic encephalopathy, 1 (DEE1). Also called: X-linked infantile spasms; West's syndrome; Tonic spasms with clustering, arrest of psychomotor development and hypsarrhythmia on EEG; X-Linked Infantile Spasm Syndrome; OHTAHARA SYNDROME, X-LINKED; INFANTILE SPASM SYNDROME, X-LINKED 1. Identifiers: MedGen C3463992, MONDO:0010632, OMIM 308350. Disease mechanism: loss of function.
Intellectual disability, X-linked, with or without seizures, ARX-related. Also called: Mental retardation, X-linked 52; MENTAL RETARDATION, X-LINKED 29; MENTAL RETARDATION, X-LINKED 32; MENTAL RETARDATION, X-LINKED 33; MENTAL RETARDATION, X-LINKED 38; MENTAL RETARDATION, X-LINKED 43. Identifiers: Orphanet 777, MedGen C0796244, MONDO:0010317, OMIM 300419.

Submission:

Labcorp Genetics (formerly Invitae), Labcorp
Classification: Uncertain significance for Developmental and epileptic encephalopathy, 1; Intellectual disability, X-linked, with or without seizures, ARX-related. Last evaluated: 2024-01-03. Review status: criteria provided, single submitter. Criteria: Invitae Variant Classification Sherloc (09022015). Collection method: clinical testing. Allele origin: germline.
Comment: This variant, c.336_341del, results in the deletion of 2 amino acid(s) of the ARX protein (p.Ala114_Ala115del), but otherwise preserves the integrity of the reading frame. The frequency data for this variant in the population databases is considered unreliable, as metrics indicate insufficient coverage at this position in the gnomAD database. This variant has not been reported in the literature in individuals affected with ARX-related conditions. In summary, the available evidence is currently insufficient to determine the role of this variant in disease. Therefore, it has been classified as a Variant of Uncertain Significance.